The following is an entry in ClinVar:

NM_001868.4(CPA1):c.1231A>G (p.Met411Val)

Gene: CPA1 (carboxypeptidase A1; plus strand). Cytogenetic location: 7q32.2.
Variant type: single nucleotide variant.
Coding change: c.1231A>G on transcript NM_001868.4 (MANE Select); coding-DNA position 1231, A replaced by G.
Protein change: p.Met411Val; replaces methionine 411 with valine.
Molecular consequence: missense variant.
Genome position (GRCh38, 1-based): chr7:130,387,982, A>G. VCF-style: chr7-130387982-A-G. GRCh37 (hg19) VCF-style: chr7-130027823-A-G.
Other names: short protein forms M411V.
Identifiers: ClinVar variation 3835754 (VCV003835754.1).
Genomic context (GRCh38, chr7:130,387,982, plus strand): 5'-CTGCCAGCCTCCCAGATCATCCCCACAGCCAAGGAGACGTGGCTGGCGCTTCTGACCATC[A>G]TGGAGCACACCCTGAATCACCCCTACTGAGCTGACCCTTTGACACCCTTCTTGTCCTCCT-3'
Protein context (NP_001859.1, residues 401-419): KETWLALLTI[Met411Val]EHTLNHPY

ClinVar aggregate classification (germline): Uncertain significance (1 of 4 stars; one submission).

Conditions:
Hereditary pancreatitis (PCTT). Also called: PRSS1-Related Hereditary Pancreatitis; Hereditary chronic pancreatitis. Identifiers: Orphanet 676, MedGen C0238339, MONDO:0008185, OMIM 167800.

Submission:

Ambry Genetics
Classification: Uncertain significance for Hereditary pancreatitis. Last evaluated: 2025-01-05. Review status: criteria provided, single submitter. Criteria: Ambry Variant Classification Scheme 2023. Collection method: clinical testing. Allele origin: germline.
Comment: The p.M411V variant (also known as c.1231A>G), located in coding exon 10 of the CPA1 gene, results from an A to G substitution at nucleotide position 1231. The methionine at codon 411 is replaced by valine, an amino acid with highly similar properties. This amino acid position is conserved. In addition, this alteration is predicted to be tolerated by in silico analysis. Based on the available evidence, the clinical significance of this variant remains unclear.